The following is an entry in ClinVar:

ClinVar aggregate classification (germline): Pathogenic (0 of 4 stars; one submission).

Conditions:
Anophthalmia/microphthalmia-esophageal atresia syndrome (MCOPS3). Also called: MICROPHTHALMIA AND ESOPHAGEAL ATRESIA SYNDROME; AEG SYNDROME; SOX2 Disorder. Identifiers: Orphanet 77298, MedGen C1859773, MONDO:0008799, OMIM 206900.

Submission:

Anophthalmia/Microphthalmia Research Registry, Einstein Medical Center Philadelphia
Classification: Pathogenic for Anophthalmia/microphthalmia-esophageal atresia syndrome. Review status: no assertion criteria provided. Collection method: clinical testing. Allele origin: germline. Inheritance: Autosomal dominant inheritance. Affected: yes. Observed: 1 variant allele.

NM_003106.4(SOX2):c.943_944del (p.Ser315fs)

Genes: SOX2-OT (SOX2 overlapping transcript; plus strand), SOX2 (SRY-box transcription factor 2; plus strand). Cytogenetic location: 3q26.33.
Variant type: Microsatellite.
Coding change: c.943_944del on transcript NM_003106.4 (MANE Select); coding-DNA positions 943 to 944, 2 bases deleted (TC; older notation c.943_944delTC).
Protein change: p.Ser315fs; shifts the reading frame from serine 315.
Molecular consequence: frameshift variant.
Genome position (GRCh38, 1-based): chr3:181,713,303-181,713,304, TC deleted; deleting any 2 consecutive bases within chr3:181,713,300-181,713,304 gives the same sequence; the c. name uses the placement nearest the transcript's 3' end. VCF-style (leftmost placement, unchanged base first): chr3-181713299-CCT-C. GRCh37 (hg19) VCF-style: chr3-181431087-CCT-C.
Other names: short protein forms S315fs.
Identifiers: ClinVar variation 986779 (VCV000986779.1), dbSNP rs1714883683, ClinGen allele CA1424780355.